The following is an entry in ClinVar:

ClinVar aggregate classification (germline): Uncertain significance (1 of 4 stars; one submission).

Conditions:
Cardiovascular phenotype. Identifiers: MedGen CN230736.

Submission:

Ambry Genetics
Classification: Uncertain significance for Cardiovascular phenotype. Last evaluated: 2026-02-14. Review status: criteria provided, single submitter. Criteria: Ambry Variant Classification Scheme 2023. Collection method: clinical testing. Allele origin: germline.
Comment: The p.F2330S variant (also known as c.6989T>C), located in coding exon 19 of the TNXB gene, results from a T to C substitution at nucleotide position 6989. The phenylalanine at codon 2330 is replaced by serine, an amino acid with highly dissimilar properties. This amino acid position is conserved. In addition, this alteration is predicted to be tolerated by in silico analysis. Based on the available evidence, the clinical significance of this variant remains unclear.

NM_001365276.2(TNXB):c.6989T>C (p.Phe2330Ser)

Gene: TNXB (tenascin XB; minus strand). Cytogenetic location: 6p21.33.
Variant type: single nucleotide variant.
Coding change: c.6989T>C on transcript NM_001365276.2 (MANE Select); coding-DNA position 6989, T replaced by C.
Protein change: p.Phe2330Ser; replaces phenylalanine 2330 with serine.
Molecular consequence: missense variant.
Genome position (GRCh38, 1-based): chr6:32,062,336, A>G on the plus strand (T>C on the coding strand, the complement: TNXB is on the minus strand). VCF-style: chr6-32062336-A-G. GRCh37 (hg19) VCF-style: chr6-32030113-A-G.
Other names: c.7730T>C, p.Phe2577Ser (NM_001428335.1); c.6989T>C, p.Phe2330Ser (NM_019105.8); short protein forms F2577S, F2330S.
Identifiers: ClinVar variation 4824409 (VCV004824409.1).